The following is an entry in ClinVar:

NM_000836.4(GRIN2D):c.3321T>A (p.Asp1107Glu)

Gene: GRIN2D (glutamate ionotropic receptor NMDA type subunit 2D; plus strand). Cytogenetic location: 19q13.33.
Variant type: single nucleotide variant.
Coding change: c.3321T>A on transcript NM_000836.4 (MANE Select); coding-DNA position 3321, T replaced by A.
Protein change: p.Asp1107Glu; replaces aspartic acid 1107 with glutamic acid.
Molecular consequence: missense variant.
Genome position (GRCh38, 1-based): chr19:48,443,247, T>A. VCF-style: chr19-48443247-T-A. GRCh37 (hg19) VCF-style: chr19-48946504-T-A.
Other names: short protein forms D1107E.
Identifiers: ClinVar variation 377345 (VCV000377345.16), dbSNP rs765809246, ClinGen allele CA9550828.
Genomic context (GRCh38, chr19:48,443,247, plus strand): 5'-AGGAGCCCCGGCCGCTCCGCCCCCGTGCCGCGCCGCGCCGCCCCCGTGCCCTTACCTCGA[T>A]CTCGAGCCGTCGCCGTCGGACTCGGAGGACTCGGAGAGCCTGGGCGGCGCGTCGCTGGGC-3'
Protein context (NP_000827.2, residues 1097-1117): RAAPPPCPYL[Asp1107Glu]LEPSPSDSED

ClinVar aggregate classification (germline): Likely benign. Review status: criteria provided, multiple submitters, no conflicts (2 of 4 stars). 3 submissions from 3 submitters: Likely benign (3). Last evaluated 2026-03-01.

Allele frequency attached by ClinVar (database versions not stated): gnomAD exomes 0.00007 and 0.00042; gnomAD 0.00012; TOPMed 0.00020; 1000 Genomes Project 30x 0.00047; ExAC 0.00047.

Submissions (3):

CeGaT Center for Human Genetics Tuebingen
Classification: Likely benign. Last evaluated: 2026-03-01. Review status: criteria provided, single submitter. Criteria: CeGaT Center For Human Genetics Tuebingen Variant Classification Criteria Version 2. Collection method: clinical testing. Allele origin: germline. Affected: yes. Observed: 1 variant allele.
Comment: GRIN2D: BS1

Labcorp Genetics (formerly Invitae), Labcorp
Classification: Likely benign. Last evaluated: 2026-01-12. Review status: criteria provided, single submitter. Criteria: Invitae Variant Classification Sherloc (09022015). Collection method: clinical testing. Allele origin: germline.

Center for Pediatric Genomic Medicine, Children's Mercy Hospital and Clinics
Classification: Likely benign. Last evaluated: 2016-12-09. Review status: criteria provided, single submitter. Criteria: ACMG Guidelines, 2015. Collection method: clinical testing. Allele origin: germline.
ClinVar note: Converted during submission from Likely Benign to Likely benign.